The following is an entry in ClinVar:

ClinVar aggregate classification (germline): Uncertain significance (1 of 4 stars; one submission).

Submission:

Labcorp Genetics (formerly Invitae), Labcorp
Classification: Uncertain significance. Last evaluated: 2024-11-19. Review status: criteria provided, single submitter. Criteria: Invitae Variant Classification Sherloc (09022015). Collection method: clinical testing. Allele origin: germline.
Comment: This sequence change affects codon 266 of the MMP13 mRNA. It is a 'silent' change, meaning that it does not change the encoded amino acid sequence of the MMP13 protein. It affects a nucleotide within the consensus splice site. This variant is not present in population databases (gnomAD no frequency). This variant has not been reported in the literature in individuals affected with MMP13-related conditions. Algorithms developed to predict the effect of sequence changes on RNA splicing suggest that this variant is not likely to affect RNA splicing. In summary, the available evidence is currently insufficient to determine the role of this variant in disease. Therefore, it has been classified as a Variant of Uncertain Significance.

NM_002427.4(MMP13):c.798T>C (p.Tyr266=)

Gene: MMP13 (matrix metallopeptidase 13; minus strand). Cytogenetic location: 11q22.2.
Variant type: single nucleotide variant.
Coding change: c.798T>C on transcript NM_002427.4 (MANE Select); coding-DNA position 798, T replaced by C.
Protein change: p.Tyr266=; no amino-acid change (tyrosine 266 retained).
Molecular consequence: synonymous variant.
Genome position (GRCh38, 1-based): chr11:102,952,013, A>G on the plus strand (T>C on the coding strand, the complement: MMP13 is on the minus strand). VCF-style: chr11-102952013-A-G. GRCh37 (hg19) VCF-style: chr11-102822742-A-G.
Identifiers: ClinVar variation 3699374 (VCV003699374.2).